The following is an entry in ClinVar:

ClinVar aggregate classification (germline): Uncertain significance. Review status: criteria provided, multiple submitters, no conflicts (2 of 4 stars). 2 submissions from 2 submitters: Uncertain significance (2). Last evaluated 2026-07-02.

Conditions:
Hypertrophic cardiomyopathy 1 (CMH1). Also called: MYH7-Related Familial Hypertrophic Cardiomyopathy; Familial hypertrophic cardiomyopathy 1. Identifiers: MedGen C3495498, MONDO:0008647, OMIM 192600.
Cardiovascular phenotype. Identifiers: MedGen CN230736.

Submissions (2):

Ambry Genetics
Classification: Uncertain significance for Cardiovascular phenotype. Last evaluated: 2026-07-02. Review status: criteria provided, single submitter. Criteria: Ambry Variant Classification Scheme 2023. Collection method: clinical testing. Allele origin: germline.
Comment: The p.E1855G variant (also known as c.5564A>G), located in coding exon 36 of the MYH7 gene, results from an A to G substitution at nucleotide position 5564. The glutamic acid at codon 1855 is replaced by glycine, an amino acid with similar properties. This amino acid position is conserved. In addition, this alteration is predicted to be deleterious by in silico analysis. Based on the available evidence, the clinical significance of this variant remains unclear.

3billion
Classification: Uncertain significance for Hypertrophic cardiomyopathy 1. Last evaluated: 2023-09-08. Review status: criteria provided, single submitter. Criteria: ACMG Guidelines, 2015. Collection method: clinical testing. Allele origin: germline. Affected: yes.
Comment: The variant is not observed in the gnomAD v2.1.1 dataset. Predicted Consequence/Location: Missense variant In silico tool predictions suggest damaging effect of the variant on gene or gene product [REVEL: 0.91 (>=0.6, sensitivity 0.68 and specificity 0.92); 3Cnet: 0.75 (>=0.6, sensitivity 0.72 and precision 0.9)]. Therefore, this variant is classified as VUS according to the recommendation of ACMG/AMP guideline.

NM_000257.4(MYH7):c.5564A>G (p.Glu1855Gly)

Gene: MYH7 (myosin heavy chain 7; minus strand). Cytogenetic location: 14q11.2.
Variant type: single nucleotide variant.
Coding change: c.5564A>G on transcript NM_000257.4 (MANE Select); coding-DNA position 5564, A replaced by G.
Protein change: p.Glu1855Gly; replaces glutamic acid 1855 with glycine.
Molecular consequence: missense variant.
Genome position (GRCh38, 1-based): chr14:23,414,098, T>C on the plus strand (A>G on the coding strand, the complement: MYH7 is on the minus strand). VCF-style: chr14-23414098-T-C. GRCh37 (hg19) VCF-style: chr14-23883307-T-C.
Other names: c.5564A>G, p.Glu1855Gly (NM_001407004.1); short protein forms E1855G.
Identifiers: ClinVar variation 3775900 (VCV003775900.2).